The following is an entry in ClinVar:

NM_001609.4(ACADSB):c.*3907C>G

Gene: ACADSB (acyl-CoA dehydrogenase short/branched chain; plus strand). Cytogenetic location: 10q26.13.
Variant type: single nucleotide variant.
Coding change: c.*3907C>G on transcript NM_001609.4 (MANE Select); 3907 bases downstream of the stop codon, C replaced by G.
Molecular consequence: 3 prime UTR variant.
Genome position (GRCh38, 1-based): chr10:123,057,672, C>G. VCF-style: chr10-123057672-C-G. GRCh37 (hg19) VCF-style: chr10-124817188-C-G.
Other names: c.*3907C>G (NM_001330174.3).
Identifiers: ClinVar variation 299153 (VCV000299153.6), dbSNP rs185346880, ClinGen allele CA10635165.

ClinVar aggregate classification (germline): Likely benign. Review status: criteria provided, multiple submitters, no conflicts (2 of 4 stars). 2 submissions from 2 submitters: Likely benign (2). Last evaluated 2018-01-13.

Conditions:
Deficiency of 2-methylbutyryl-CoA dehydrogenase (ACADSB). Also called: 2-methylbutyryl-CoA dehydrogenase deficiency; SBCAD deficiency; 2-methylbutyric aciduria; Short branched-chain acyl-CoA dehydrogenase deficiency; 2-methylbutyrylglycinuria. Identifiers: Orphanet 79157, MedGen C1864912, MONDO:0012392, OMIM 610006, HP:0020147.

Allele frequency attached by ClinVar (database versions not stated): 1000 Genomes Project 30x 0.00375; 1000 Genomes Project 0.00399; TOPMed 0.00532; gnomAD 0.00554 and 0.00584.

Submissions (2):

Illumina Laboratory Services, Illumina
Classification: Likely benign for Deficiency of 2-methylbutyryl-CoA dehydrogenase. Last evaluated: 2018-01-13. Review status: criteria provided, single submitter. Criteria: ICSL Variant Classification Criteria 13 December 2019. Collection method: clinical testing. Allele origin: germline.
Comment: This variant was observed in the ICSL laboratory as part of a predisposition screen in an ostensibly healthy population. It had not been previously curated by ICSL or reported in the Human Gene Mutation Database (HGMD: prior to June 1st, 2018), and was therefore a candidate for classification through an automated scoring system. Utilizing variant allele frequency, disease prevalence and penetrance estimates, and inheritance mode, an automated score was calculated to assess if this variant is too frequent to cause the disease. Based on the score and internal cut-off values, a variant classified as likely benign is not then subjected to further curation. The score for this variant resulted in a classification of likely benign for this disease.

Breakthrough Genomics
Classification: Likely benign. Review status: criteria provided, single submitter. Criteria: ACMG Guidelines, 2015. Collection method: not provided. Allele origin: germline. Inheritance: Autosomal recessive inheritance. Affected: yes.